The following is an entry in ClinVar:

ClinVar aggregate classification (germline): Conflicting classifications of pathogenicity. Review status: criteria provided, conflicting classifications (1 of 4 stars). 2 submissions from 2 submitters: Uncertain significance (1); Likely benign (1). Last evaluated 2024-09-20.

Conditions:
Granulomatous disease, chronic, autosomal recessive, cytochrome b-positive, type 2. Also called: CGD, AUTOSOMAL RECESSIVE CYTOCHROME b-POSITIVE, TYPE II; GRANULOMATOUS DISEASE, CHRONIC, DUE TO NCF2 DEFICIENCY; GRANULOMATOUS DISEASE, CHRONIC, AUTOSOMAL RECESSIVE, 2; Chronic granulomatous disease due to deficiency of NCF-2; Chronic Granulomatous Disease, Autosomal Recessive, Cytochrome b-Positive, Type II. Identifiers: Orphanet 379, MedGen C1856245, MONDO:0009310, OMIM 233710.

Allele frequency attached by ClinVar (database versions not stated): gnomAD 0.00011 and 0.00015; TOPMed 0.00011.
gnomAD v4.1: 76 of 1,010,784 alleles (0.0075%); highest among the groups gnomAD compares: African/African-American, 0.021%; no homozygotes.

Submissions (2):

3billion
Classification: Likely benign for Granulomatous disease, chronic, autosomal recessive, cytochrome b-positive, type 2. Last evaluated: 2024-09-20. Review status: criteria provided, single submitter. Criteria: ACMG Guidelines, 2015. Collection method: clinical testing. Allele origin: germline. Affected: no.
Comment: The homozygous variant was found in patients diagnosed with another variant in a different gene, with no symptoms related to the gene containing the homozygous variant.

Illumina Laboratory Services, Illumina
Classification: Uncertain significance for Granulomatous disease, chronic, autosomal recessive, cytochrome b-positive, type 2. Last evaluated: 2018-01-12. Review status: criteria provided, single submitter. Criteria: ICSL Variant Classification Criteria 13 December 2019. Collection method: clinical testing. Allele origin: germline.

NM_000433.4(NCF2):c.*97A>C

Gene: NCF2 (neutrophil cytosolic factor 2; minus strand). Cytogenetic location: 1q25.3.
Variant type: single nucleotide variant.
Coding change: c.*97A>C on transcript NM_000433.4 (MANE Select); 97 bases downstream of the stop codon, A replaced by C.
Molecular consequence: 3 prime UTR variant.
Genome position (GRCh38, 1-based): chr1:183,556,021, T>G on the plus strand (A>C on the coding strand, the complement: NCF2 is on the minus strand). VCF-style: chr1-183556021-T-G. GRCh37 (hg19) VCF-style: chr1-183525156-T-G.
Other names: c.*97A>C (NM_001127651.3, NM_001190789.2, NM_001190794.2).
Identifiers: ClinVar variation 294072 (VCV000294072.6), dbSNP rs367946786, ClinGen allele CA10608509.
Genomic context (GRCh38, chr1:183,556,021, plus strand): 5'-TCACATCATTGTCTAGTAGGTTAAATTTTAACAGGGAATAAATAGTTAACACTTCCAAAC[T>G]GTAATGTCTCAGTACAGTATACAGCAGAAGGGTGCTAAATCTTACAAACAAGTAATAGGG-3'